The following is an entry in ClinVar:

ClinVar aggregate classification (germline): Uncertain significance (1 of 4 stars; one submission).

Conditions:
Symmetrical dyschromatosis of extremities (DSH). Also called: RETICULATE ACROPIGMENTATION OF DOHI; DYSCHROMATOSIS SYMMETRICA HEREDITARIA 1; SYMMETRIC DYSCHROMATOSIS OF THE EXTREMITIES; Dyschromatosis symmetrica hereditaria. Identifiers: Orphanet 41, MedGen C0406775, MONDO:0007483, OMIM 127400.
Aicardi-Goutieres syndrome 6 (AGS6). Identifiers: Orphanet 51, MedGen C3539013, MONDO:0014007, OMIM 615010.

Allele frequency attached by ClinVar (database versions not stated): gnomAD exomes below 0.00001; ExAC 0.00001; TOPMed 0.00003; gnomAD 0.00005.
gnomAD v4.1: 10 of 1,614,106 alleles (0.00062%); highest among the groups gnomAD compares: African/African-American, 0.012%; no homozygotes.

Submission:

Labcorp Genetics (formerly Invitae), Labcorp
Classification: Uncertain significance for Aicardi-Goutieres syndrome 6; Symmetrical dyschromatosis of extremities. Last evaluated: 2023-07-14. Review status: criteria provided, single submitter. Criteria: Invitae Variant Classification Sherloc (09022015). Collection method: clinical testing. Allele origin: germline.
Comment: ClinVar contains an entry for this variant (Variation ID: 2189656). This variant has not been reported in the literature in individuals affected with ADAR-related conditions. This variant is present in population databases (rs778499456, gnomAD 0.007%). This sequence change replaces aspartic acid, which is acidic and polar, with valine, which is neutral and non-polar, at codon 560 of the ADAR protein (p.Asp560Val). In summary, the available evidence is currently insufficient to determine the role of this variant in disease. Therefore, it has been classified as a Variant of Uncertain Significance. Advanced modeling of protein sequence and biophysical properties (such as structural, functional, and spatial information, amino acid conservation, physicochemical variation, residue mobility, and thermodynamic stability) performed at Invitae indicates that this missense variant is not expected to disrupt ADAR protein function.

NM_001111.5(ADAR):c.1679A>T (p.Asp560Val)

Gene: ADAR (adenosine deaminase RNA specific; minus strand). Cytogenetic location: 1q21.3.
Variant type: single nucleotide variant.
Coding change: c.1679A>T on transcript NM_001111.5 (MANE Select); coding-DNA position 1679, A replaced by T.
Protein change: p.Asp560Val; replaces aspartic acid 560 with valine.
Molecular consequence: missense variant.
Genome position (GRCh38, 1-based): chr1:154,598,508, T>A on the plus strand (A>T on the coding strand, the complement: ADAR is on the minus strand). VCF-style: chr1-154598508-T-A. GRCh37 (hg19) VCF-style: chr1-154570984-T-A.
Other names: c.794A>T, p.Asp265Val (NM_001025107.3, NM_001193495.2, NM_001365046.1 and 3 more transcripts); c.1706A>T, p.Asp569Val (NM_001365045.1); c.1679A>T, p.Asp560Val (NM_015840.4, NM_015841.4); short protein forms D265V, D560V, D569V.
Identifiers: ClinVar variation 2189656 (VCV002189656.4), dbSNP rs778499456, ClinGen allele CA1131501.